The following is an entry in ClinVar:

NM_004629.2(FANCG):c.421C>T (p.Arg141Cys)

Gene: FANCG (FA complementation group G; minus strand). Cytogenetic location: 9p13.3.
Variant type: single nucleotide variant.
Coding change: c.421C>T on transcript NM_004629.2 (MANE Select); coding-DNA position 421, C replaced by T.
Protein change: p.Arg141Cys; replaces arginine 141 with cysteine.
Molecular consequence: missense variant.
Genome position (GRCh38, 1-based): chr9:35,078,230, G>A on the plus strand (C>T on the coding strand, the complement: FANCG is on the minus strand). VCF-style: chr9-35078230-G-A. GRCh37 (hg19) VCF-style: chr9-35078227-G-A.
Other names: short protein forms R141C.
Identifiers: ClinVar variation 239967 (VCV000239967.10), dbSNP rs201153812, ClinGen allele CA5040049.

ClinVar aggregate classification (germline): Uncertain significance. Review status: criteria provided, multiple submitters, no conflicts (2 of 4 stars). 4 submissions from 4 submitters: Uncertain significance (3). 1 of the submissions does not count toward it. Last evaluated 2025-01-23.

Conditions:
Fanconi anemia complementation group G. Also called: FANCG-Related Fanconi Anemia; Fanconi anemia group G. Identifiers: Orphanet 84, MedGen C3469527, MONDO:0013565, OMIM 614082.
Fanconi anemia (FA). Also called: Fanconi's anemia. Identifiers: Orphanet 84, MedGen C0015625, MeSH D005199, MONDO:0019391.

Allele frequency attached by ClinVar (database versions not stated): gnomAD exomes 0.00005 and 0.00017; gnomAD 0.00007 and 0.00009; TOPMed 0.00008; ExAC 0.00018; 1000 Genomes Project 0.00040; 1000 Genomes Project 30x 0.00047.

Submissions (4):

Labcorp Genetics (formerly Invitae), Labcorp
Classification: Uncertain significance for Fanconi anemia. Last evaluated: 2025-01-23. Review status: criteria provided, single submitter. Criteria: Invitae Variant Classification Sherloc (09022015). Collection method: clinical testing. Allele origin: germline.
Comment: This sequence change replaces arginine, which is basic and polar, with cysteine, which is neutral and slightly polar, at codon 141 of the FANCG protein (p.Arg141Cys). This variant is present in population databases (rs201153812, gnomAD 0.2%). This variant has not been reported in the literature in individuals affected with FANCG-related conditions. ClinVar contains an entry for this variant (Variation ID: 239967). Invitae Evidence Modeling of protein sequence and biophysical properties (such as structural, functional, and spatial information, amino acid conservation, physicochemical variation, residue mobility, and thermodynamic stability) indicates that this missense variant is not expected to disrupt FANCG protein function with a negative predictive value of 80%. In summary, the available evidence is currently insufficient to determine the role of this variant in disease. Therefore, it has been classified as a Variant of Uncertain Significance.

Blueprint Genetics
Classification: Uncertain significance. Last evaluated: 2024-03-01. Review status: criteria provided, single submitter. Criteria: ACMG Guidelines, 2015. Collection method: clinical testing. Allele origin: germline.

Fulgent Genetics
Classification: Uncertain significance for Fanconi anemia complementation group G. Last evaluated: 2018-10-31. Review status: criteria provided, single submitter. Criteria: ACMG Guidelines, 2015. Collection method: clinical testing. Allele origin: unknown.

Natera, Inc.
Classification: Uncertain significance for Fanconi anemia group G. Last evaluated: 2020-04-13. Review status: no assertion criteria provided. Collection method: clinical testing. Allele origin: germline. Not counted in ClinVar's aggregate classification.